The following is an entry in ClinVar:

NM_001267550.2(TTN):c.45353T>G (p.Leu15118Arg)

Genes: TTN (titin; minus strand), LOC126806427 (BRD4-independent group 4 enhancer GRCh37_chr2:179485777-179486976; plus strand). Cytogenetic location: 2q31.2.
Variant type: single nucleotide variant.
Coding change: c.45353T>G on transcript NM_001267550.2 (MANE Select); coding-DNA position 45353, T replaced by G.
Protein change: p.Leu15118Arg; replaces leucine 15118 with arginine.
Molecular consequence: missense variant.
Genome position (GRCh38, 1-based): chr2:178,621,365, A>C on the plus strand (T>G on the coding strand, the complement: TTN is on the minus strand). VCF-style: chr2-178621365-A-C. GRCh37 (hg19) VCF-style: chr2-179486092-A-C.
Other names: p.Leu15118Arg; c.40430T>G, p.Leu13477Arg (NM_001256850.1); c.18158T>G, p.Leu6053Arg (NM_003319.4); c.37649T>G, p.Leu12550Arg (NM_133378.4); c.18533T>G, p.Leu6178Arg (NM_133432.3); c.18734T>G, p.Leu6245Arg (NM_133437.4); short protein forms L12550R, L13477R, L15118R, L6053R, L6178R, L6245R.
Identifiers: ClinVar variation 4884858 (VCV004884858.1).

ClinVar aggregate classification (germline): Uncertain significance (1 of 4 stars; one submission).

Conditions:
Hypertrophic cardiomyopathy 9. Also called: Familial hypertrophic cardiomyopathy 9. Identifiers: MedGen C1861065, MONDO:0013412, OMIM 613765.

Submission:

Foundation for Research in Genetics and Endocrinology, FRIGE's Institute of Human Genetics
Classification: Uncertain significance for Hypertrophic cardiomyopathy 9. Last evaluated: 2026-07-22. Review status: criteria provided, single submitter. Criteria: ACMG Guidelines, 2015. Collection method: clinical testing. Allele origin: germline. Inheritance: Autosomal dominant inheritance. Affected: yes. Observed: 1 variant allele, 1 heterozygote.
Comment: A heterozygous missense variant in exon 246 of the TTN gene that results in the amino acid substitution of Arginine for Leucine at codon 15118 (p.Leu15118Arg) was detected. The p.Leu15118Arg variant has not been reported in the 1000 genomes, gnomAD (v3.1), gnomAD (v2.1) and topmed databases. The reference codon is conserved across species. In summary, the variant meets our criteria to be classified as variant of uncertain significance.